The following is an entry in ClinVar:

ClinVar aggregate classification (germline): Pathogenic (1 of 4 stars; one submission).

Conditions:
Nemaline myopathy 2 (NEM2). Also called: Nemaline myopathy 2, autosomal recessive. Identifiers: MedGen C1850569, MONDO:0009725, OMIM 256030.

Submission:

Labcorp Genetics (formerly Invitae), Labcorp
Classification: Pathogenic for Nemaline myopathy 2. Last evaluated: 2023-06-04. Review status: criteria provided, single submitter. Criteria: Invitae Variant Classification Sherloc (09022015). Collection method: clinical testing. Allele origin: germline.
Comment: This sequence change creates a premature translational stop signal (p.Lys4274*) in the NEB gene. It is expected to result in an absent or disrupted protein product. Loss-of-function variants in NEB are known to be pathogenic (PMID: 25205138). For these reasons, this variant has been classified as Pathogenic. This variant has not been reported in the literature in individuals affected with NEB-related conditions. The frequency data for this variant in the population databases (gnomAD) is considered unreliable due to the presence of homologous sequence, such as pseudogenes or paralogs, in the genome.

Literature cited by the submitters: PubMed 25205138.

NM_001164508.2(NEB):c.12820A>T (p.Lys4274Ter)

Gene: NEB (nebulin; minus strand). Cytogenetic location: 2q23.3.
Variant type: single nucleotide variant.
Coding change: c.12820A>T on transcript NM_001164508.2 (MANE Select); coding-DNA position 12820, A replaced by T.
Protein change: p.Lys4274Ter; replaces lysine 4274 with a stop codon.
Molecular consequence: nonsense. On other transcripts: intron variant (1).
Genome position (GRCh38, 1-based): chr2:151,604,799, T>A on the plus strand (A>T on the coding strand, the complement: NEB is on the minus strand). VCF-style: chr2-151604799-T-A. GRCh37 (hg19) VCF-style: chr2-152461313-T-A.
Other names: c.12820A>T, p.Lys4274Ter (NM_001164507.2, NM_001271208.2); c.11601+5010A>T (NM_004543.5); short protein forms K4274*.
Identifiers: ClinVar variation 2765888 (VCV002765888.3), dbSNP rs2552224192, ClinGen allele CA348773779.